The following is an entry in ClinVar:

NM_001126108.2(SLC12A3):c.1423T>G (p.Ser475Ala)

Gene: SLC12A3 (solute carrier family 12 member 3; plus strand). Cytogenetic location: 16q13.
Variant type: single nucleotide variant.
Coding change: c.1423T>G on transcript NM_001126108.2 (MANE Select); coding-DNA position 1423, T replaced by G.
Protein change: p.Ser475Ala; replaces serine 475 with alanine.
Molecular consequence: missense variant.
Genome position (GRCh38, 1-based): chr16:56,879,629, T>G. VCF-style: chr16-56879629-T-G. GRCh37 (hg19) VCF-style: chr16-56913541-T-G.
Other names: NP_000330.3:p.(Ser475Ala); c.1423T>G, p.Ser475Ala (NM_000339.3); c.1420T>G, p.Ser474Ala (NM_001126107.2, NM_001410896.1); short protein forms S474A, S475A.
Identifiers: ClinVar variation 4813305 (VCV004813305.1).
Genomic context (GRCh38, chr16:56,879,629, plus strand): 5'-CCCCTGATCACGGCTGGCATCTTCGGGGCCACCCTCTCCTCTGCCCTGGCCTGCCTTGTC[T>G]CTGCTGCCAAAGTCTTCCAGGTGAGGCCGCAGAAAGGGGTCGAGATGACAGGGGGTGGGG-3'
Protein context (NP_001119580.2, residues 465-485): TLSSALACLV[Ser475Ala]AAKVFQCLCE

ClinVar aggregate classification (germline): Likely pathogenic (1 of 4 stars; one submission).

Conditions:
Familial hypokalemia-hypomagnesemia (GTLMNS). Also called: POTASSIUM AND MAGNESIUM DEPLETION; HYPOMAGNESEMIA-HYPOKALEMIA, PRIMARY RENOTUBULAR, WITH HYPOCALCIURIA; gitelman syndrome. Identifiers: Orphanet 358, MedGen C0268450, MONDO:0009904, OMIM 263800.

Submission:

Clinical Genetics Unit, University of Padua
Classification: Likely pathogenic for Familial hypokalemia-hypomagnesemia. Last evaluated: 2025-01-01. Review status: criteria provided, single submitter. Criteria: ACMG Guidelines, 2015. Collection method: clinical testing. Allele origin: germline. Affected: yes. Observed: 1 variant allele.
Comment: This variant affects the thiazide and Cl⁻-binding sites of NCC (PM1); it is not present in gnomAD (PM2); it was reported in trans with NM_000339.3:c.1288T>A, a pathogenic variant (PM3); the same amino acid is changed in NM_000339.2:c.1424C>G and NM_000339.3:c.1424C>, two pathogenic variants (PM5); it is a missense variant, which is the most common loss-of-function mechanism in SLC12A3 (PP2); ortholog alignment (M. musculus, B. taurus, O. anatinus, G. gallus, D. rerio, S. purpuratus, and C. elegans) and interpretation software (Franklin) predicted a deleterious effect (PP3).